The following is an entry in ClinVar:

NM_001242896.3(DEPDC5):c.257A>G (p.Tyr86Cys)

Gene: DEPDC5 (DEP domain containing 5, GATOR1 subcomplex subunit; plus strand). Cytogenetic location: 22q12.2.
Variant type: single nucleotide variant.
Coding change: c.257A>G on transcript NM_001242896.3 (MANE Select); coding-DNA position 257, A replaced by G.
Protein change: p.Tyr86Cys; replaces tyrosine 86 with cysteine.
Molecular consequence: missense variant. On other transcripts: non-coding transcript variant (5).
Genome position (GRCh38, 1-based): chr22:31,765,038, A>G. VCF-style: chr22-31765038-A-G. GRCh37 (hg19) VCF-style: chr22-32161024-A-G.
Other names: c.257A>G, p.Tyr86Cys (NM_001007188.4, NM_001136029.4, NM_001242897.2 and 9 more transcripts); short protein forms Y86C.
Identifiers: ClinVar variation 941573 (VCV000941573.11), dbSNP rs377039864, ClinGen allele CA10195885.

ClinVar aggregate classification (germline): Uncertain significance. Review status: criteria provided, multiple submitters, no conflicts (2 of 4 stars). 2 submissions from 2 submitters: Uncertain significance (2). Last evaluated 2025-10-27.

Conditions:
Inborn genetic diseases. Identifiers: MedGen C0950123, MeSH D030342.
Familial focal epilepsy with variable foci (FPEVF). Identifiers: Orphanet 98820, MedGen C1858477, MONDO:0020310.

Allele frequency attached by ClinVar (database versions not stated): gnomAD exomes 0.00001 and 0.00002; TOPMed 0.00003; ESP Exome Variant Server 0.00008; ExAC 0.00001; gnomAD 0.00001.
gnomAD v4.1: 16 of 1,613,864 alleles (0.00099%); highest among the groups gnomAD compares: East Asian, 0.0067%; no homozygotes.

Submissions (2):

Labcorp Genetics (formerly Invitae), Labcorp
Classification: Uncertain significance for Familial focal epilepsy with variable foci. Last evaluated: 2025-10-27. Review status: criteria provided, single submitter. Criteria: Invitae Variant Classification Sherloc (09022015). Collection method: clinical testing. Allele origin: germline.
Comment: This sequence change replaces tyrosine, which is neutral and polar, with cysteine, which is neutral and slightly polar, at codon 86 of the DEPDC5 protein (p.Tyr86Cys). This variant is present in population databases (rs377039864, gnomAD 0.006%). This variant has not been reported in the literature in individuals affected with DEPDC5-related conditions. ClinVar contains an entry for this variant (Variation ID: 941573). Experimental studies and prediction algorithms are not available or were not evaluated, and the functional significance of this variant is currently unknown. In summary, the available evidence is currently insufficient to determine the role of this variant in disease. Therefore, it has been classified as a Variant of Uncertain Significance.

Ambry Genetics
Classification: Uncertain significance for Inborn genetic diseases. Last evaluated: 2023-04-19. Review status: criteria provided, single submitter. Criteria: Ambry Variant Classification Scheme 2023. Collection method: clinical testing. Allele origin: germline.